The following is an entry in ClinVar:

NM_000550.3(TYRP1):c.394A>T (p.Asn132Tyr)

Gene: TYRP1 (tyrosinase related protein 1; plus strand). Cytogenetic location: 9p23.
Variant type: single nucleotide variant.
Coding change: c.394A>T on transcript NM_000550.3 (MANE Select); coding-DNA position 394, A replaced by T.
Protein change: p.Asn132Tyr; replaces asparagine 132 with tyrosine.
Molecular consequence: missense variant.
Genome position (GRCh38, 1-based): chr9:12,695,523, A>T. VCF-style: chr9-12695523-A-T. GRCh37 (hg19) VCF-style: chr9-12695523-A-T.
Other names: short protein forms N132Y.
Identifiers: ClinVar variation 1696903 (VCV001696903.2), dbSNP rs886389594, ClinGen allele CA189306126.

ClinVar aggregate classification (germline): Uncertain significance (1 of 4 stars; one submission).

Allele frequency attached by ClinVar (database versions not stated): TOPMed 0.00003; gnomAD 0.00002.
gnomAD v4.1: 5 of 1,614,004 alleles (0.00031%); highest among the groups gnomAD compares: African/African-American, 0.0053%; no homozygotes.

Submission:

GeneDx
Classification: Uncertain significance. Last evaluated: 2022-07-11. Review status: criteria provided, single submitter. Criteria: GeneDx Variant Classification Process June 2021. Collection method: clinical testing. Allele origin: germline. Affected: yes.
Comment: In silico analysis supports that this missense variant has a deleterious effect on protein structure/function; Has not been previously published as pathogenic or benign to our knowledge